The following is an entry in ClinVar:

ClinVar aggregate classification (germline): Uncertain significance (1 of 4 stars; one submission).

Allele frequency attached by ClinVar (database versions not stated): 1000 Genomes Project 30x 0.00016; ExAC 0.00016; 1000 Genomes Project 0.00020; ESP Exome Variant Server 0.00023; TOPMed 0.00041.

Submission:

Labcorp Genetics (formerly Invitae), Labcorp
Classification: Uncertain significance. Last evaluated: 2024-12-19. Review status: criteria provided, single submitter. Criteria: Invitae Variant Classification Sherloc (09022015). Collection method: clinical testing. Allele origin: germline.
Comment: This sequence change replaces lysine, which is basic and polar, with asparagine, which is neutral and polar, at codon 157 of the EFNA4 protein (p.Lys157Asn). This variant is present in population databases (rs199918580, gnomAD 0.06%), and has an allele count higher than expected for a pathogenic variant. This variant has not been reported in the literature in individuals affected with EFNA4-related conditions. ClinVar contains an entry for this variant (Variation ID: 1900038). An algorithm developed to predict the effect of missense changes on protein structure and function (PolyPhen-2) suggests that this variant is likely to be tolerated. In summary, the available evidence is currently insufficient to determine the role of this variant in disease. Therefore, it has been classified as a Variant of Uncertain Significance.

NM_005227.3(EFNA4):c.471G>T (p.Lys157Asn)

Genes: ADAM15-EFNA4 (ADAM15-EFNA4 readthrough; plus strand), EFNA4 (ephrin A4; plus strand), EFNA4-EFNA3 (EFNA4-EFNA3 readthrough; plus strand). Cytogenetic location: 1q21.3.
Variant type: single nucleotide variant.
Coding change: c.471G>T on transcript NM_005227.3 (MANE Select); coding-DNA position 471, G replaced by T.
Protein change: p.Lys157Asn; replaces lysine 157 with asparagine.
Molecular consequence: missense variant. On other transcripts: intron variant (2).
Genome position (GRCh38, 1-based): chr1:155,068,854, G>T. VCF-style: chr1-155068854-G-T. GRCh37 (hg19) VCF-style: chr1-155041330-G-T.
Other names: c.470-145G>T (NM_182690.3); c.470-165G>T (NM_182689.2); short protein forms K157N.
Identifiers: ClinVar variation 1900038 (VCV001900038.5), dbSNP rs199918580, ClinGen allele CA1137666.